The following is an entry in ClinVar:

NM_001171613.2(PREPL):c.1598G>A (p.Arg533His)

Gene: PREPL (prolyl endopeptidase like; minus strand). Cytogenetic location: 2p21.
Variant type: single nucleotide variant.
Coding change: c.1598G>A on transcript NM_001171613.2 (MANE Select); coding-DNA position 1598, G replaced by A.
Protein change: p.Arg533His; replaces arginine 533 with histidine.
Molecular consequence: missense variant.
Genome position (GRCh38, 1-based): chr2:44,323,293, C>T on the plus strand (G>A on the coding strand, the complement: PREPL is on the minus strand). VCF-style: chr2-44323293-C-T. GRCh37 (hg19) VCF-style: chr2-44550432-C-T.
Other names: c.1865G>A, p.Arg622His (NM_006036.4, NM_001171603.1, NM_001171606.2 and 2 more transcripts); c.1679G>A, p.Arg560His (NM_001042385.2); c.1667G>A, p.Arg556His (NM_001042386.2); c.1598G>A, p.Arg533His (NM_001171617.1, NM_001374277.1); short protein forms R556H, R560H, R622H, R533H.
Identifiers: ClinVar variation 640816 (VCV000640816.9), dbSNP rs375292548, ClinGen allele CA1641043.
Genomic context (GRCh38, chr2:44,323,293, plus strand): 5'-GATAATCTAACACAATTGTCTTTCACTACCTGAGGTTTAATATTTTGATAGGGACAGTAA[C>T]GTTTTATGTAGTTCTTGTGTTTTTCATCAGATGAAGGATTCCCCCATTCTTCTAATTCTT-3'
Protein context (NP_001165084.1, residues 523-543): SDEKHKNYIK[Arg533His]YCPYQNIKPQ

ClinVar aggregate classification (germline): Uncertain significance (1 of 4 stars; one submission).

Conditions:
Myasthenic syndrome, congenital, 22 (CMS22). Also called: PREPL DEFICIENCY. Identifiers: MedGen C4479088, MONDO:0044299, OMIM 616224.

Allele frequency attached by ClinVar (database versions not stated): TOPMed 0.00001.

Submission:

Labcorp Genetics (formerly Invitae), Labcorp
Classification: Uncertain significance for Myasthenic syndrome, congenital, 22. Last evaluated: 2025-08-18. Review status: criteria provided, single submitter. Criteria: Invitae Variant Classification Sherloc (09022015). Collection method: clinical testing. Allele origin: germline.
Comment: This sequence change replaces arginine, which is basic and polar, with histidine, which is basic and polar, at codon 622 of the PREPL protein (p.Arg622His). This variant is present in population databases (rs375292548, gnomAD 0.01%). This variant has not been reported in the literature in individuals affected with PREPL-related conditions. ClinVar contains an entry for this variant (Variation ID: 640816). Invitae Evidence Modeling of protein sequence and biophysical properties (such as structural, functional, and spatial information, amino acid conservation, physicochemical variation, residue mobility, and thermodynamic stability) indicates that this missense variant is not expected to disrupt PREPL protein function with a negative predictive value of 80%. In summary, the available evidence is currently insufficient to determine the role of this variant in disease. Therefore, it has been classified as a Variant of Uncertain Significance.